The following is an entry in ClinVar:

ClinVar aggregate classification (germline): Uncertain significance (1 of 4 stars; one submission).

Conditions:
Cardiovascular phenotype. Identifiers: MedGen CN230736.

Allele frequency attached by ClinVar (database versions not stated): TOPMed below 0.00001; ExAC 0.00001; gnomAD 0.00001; ESP Exome Variant Server 0.00008; gnomAD exomes 0.00001.
gnomAD v4.1: 11 of 1,613,834 alleles (0.00068%); highest among the groups gnomAD compares: Admixed American, 0.0017%; no homozygotes.

Submission:

Ambry Genetics
Classification: Uncertain significance for Cardiovascular phenotype. Last evaluated: 2025-10-12. Review status: criteria provided, single submitter. Criteria: Ambry Variant Classification Scheme 2023. Collection method: clinical testing. Allele origin: germline.
Comment: The p.E579K variant (also known as c.1735G>A), located in coding exon 9 of the MYPN gene, results from a G to A substitution at nucleotide position 1735. The glutamic acid at codon 579 is replaced by lysine, an amino acid with similar properties. This amino acid position is well conserved in available vertebrate species; however, lysine is the reference amino acid in other vertebrate species. In addition, this alteration is predicted to be tolerated by in silico analysis. Since supporting evidence is limited at this time, the clinical significance of this alteration remains unclear.

NM_032578.4(MYPN):c.1735G>A (p.Glu579Lys)

Gene: MYPN (myopalladin; plus strand). Cytogenetic location: 10q21.3.
Variant type: single nucleotide variant.
Coding change: c.1735G>A on transcript NM_032578.4 (MANE Select); coding-DNA position 1735, G replaced by A.
Protein change: p.Glu579Lys; replaces glutamic acid 579 with lysine.
Molecular consequence: missense variant. On other transcripts: non-coding transcript variant (2).
Genome position (GRCh38, 1-based): chr10:68,166,428, G>A. VCF-style: chr10-68166428-G-A. GRCh37 (hg19) VCF-style: chr10-69926185-G-A.
Other names: c.1735G>A, p.Glu579Lys (NM_001256267.2); c.853G>A, p.Glu285Lys (NM_001256268.2); short protein forms E579K, E285K.
Identifiers: ClinVar variation 1779061 (VCV001779061.3), dbSNP rs374565483, ClinGen allele CA5522649.